The following is an entry in ClinVar:

ClinVar aggregate classification (germline): Conflicting classifications of pathogenicity. Review status: criteria provided, conflicting classifications (1 of 4 stars). 4 submissions from 4 submitters: Uncertain significance (1); Likely benign (2). 1 of the submissions does not count toward it. Last evaluated 2026-08-01.

Conditions:
LTBP4-related disorder. Also called: LTBP4-related condition.

Allele frequency attached by ClinVar (database versions not stated): ExAC 0.00028; gnomAD exomes 0.00049; gnomAD 0.00056; TOPMed 0.00062; ESP Exome Variant Server 0.00075.
gnomAD v4.1: 1,019 of 1,497,404 alleles (0.068%); highest among the groups gnomAD compares: Non-Finnish European, 0.083%; no homozygotes.

Submissions (4):

CeGaT Center for Human Genetics Tuebingen
Classification: Likely benign. Last evaluated: 2026-08-01. Review status: criteria provided, single submitter. Criteria: CeGaT Center For Human Genetics Tuebingen Variant Classification Criteria Version 2. Collection method: clinical testing. Allele origin: germline. Affected: yes. Observed: 7 variant alleles.
Comment: LTBP4: BP4, BP7

Blueprint Genetics
Classification: Likely benign. Last evaluated: 2024-11-08. Review status: criteria provided, single submitter. Criteria: ACMG Guidelines, 2015. Collection method: clinical testing. Allele origin: germline.

GeneDx
Classification: Uncertain significance. Last evaluated: 2022-01-20. Review status: criteria provided, single submitter. Criteria: GeneDx Variant Classification Process June 2021. Collection method: clinical testing. Allele origin: germline. Affected: yes.
Comment: In silico analysis supports that this variant does not alter splicing; Has not been previously published as pathogenic or benign to our knowledge

PreventionGenetics, part of Exact Sciences
Classification: Likely benign for LTBP4-related condition. Last evaluated: 2023-11-19. Review status: no assertion criteria provided. Collection method: clinical testing. Allele origin: germline. Not counted in ClinVar's aggregate classification.
Comment: This variant is classified as likely benign based on ACMG/AMP sequence variant interpretation guidelines (Richards et al. 2015 PMID: 25741868, with internal and published modifications).

NM_001042545.2(LTBP4):c.123C>T (p.Cys41=)

Gene: LTBP4 (latent transforming growth factor beta binding protein 4; plus strand). Cytogenetic location: 19q13.2.
Variant type: single nucleotide variant.
Coding change: c.123C>T on transcript NM_001042545.2 (MANE Select); coding-DNA position 123, C replaced by T.
Protein change: p.Cys41=; no amino-acid change (cysteine 41 retained).
Molecular consequence: synonymous variant. On other transcripts: intron variant (2).
Genome position (GRCh38, 1-based): chr19:40,601,510, C>T. VCF-style: chr19-40601510-C-T. GRCh37 (hg19) VCF-style: chr19-41107416-C-T.
Other names: c.340+1333C>T (NM_003573.2); c.451+1333C>T (NM_001042544.1); c.123C>T (NM_001042545.1).
Identifiers: ClinVar variation 1335341 (VCV001335341.39), dbSNP rs370611661, ClinGen allele CA9447985.